The following is an entry in ClinVar:

ClinVar aggregate classification (germline): Uncertain significance (1 of 4 stars; one submission).

Conditions:
Myopathy, centronuclear, 2 (CNM2). Also called: MYOTUBULAR MYOPATHY, AUTOSOMAL RECESSIVE. Identifiers: Orphanet 169186, MedGen CN031787, MONDO:0009709, OMIM 255200.

gnomAD v4.1: 1 of 1,543,708 alleles (0.000065%); highest among the groups gnomAD compares: African/African-American, 0.0014%; no homozygotes.

Submission:

Labcorp Genetics (formerly Invitae), Labcorp
Classification: Uncertain significance for Myopathy, centronuclear, 2. Last evaluated: 2024-07-15. Review status: criteria provided, single submitter. Criteria: Invitae Variant Classification Sherloc (09022015). Collection method: clinical testing. Allele origin: germline.
Comment: This sequence change replaces lysine, which is basic and polar, with glutamic acid, which is acidic and polar, at codon 351 of the BIN1 protein (p.Lys351Glu). This variant is not present in population databases (gnomAD no frequency). This variant has not been reported in the literature in individuals affected with BIN1-related conditions. An algorithm developed to predict the effect of missense changes on protein structure and function (PolyPhen-2) suggests that this variant is likely to be disruptive. In summary, the available evidence is currently insufficient to determine the role of this variant in disease. Therefore, it has been classified as a Variant of Uncertain Significance.

NM_139343.3(BIN1):c.1051A>G (p.Lys351Glu)

Gene: BIN1 (bridging integrator 1; minus strand). Cytogenetic location: 2q14.3.
Variant type: single nucleotide variant.
Coding change: c.1051A>G on transcript NM_139343.3 (MANE Select); coding-DNA position 1051, A replaced by G.
Protein change: p.Lys351Glu; replaces lysine 351 with glutamic acid.
Molecular consequence: missense variant. On other transcripts: intron variant (9).
Genome position (GRCh38, 1-based): chr2:127,057,553, T>C on the plus strand (A>G on the coding strand, the complement: BIN1 is on the minus strand). VCF-style: chr2-127057553-T-C. GRCh37 (hg19) VCF-style: chr2-127815129-T-C.
Other names: c.1002+1458A>G (NM_139345.3, NM_139344.3, NM_001320633.2); c.1051A>G, p.Lys351Glu (NM_001320640.2); c.958A>G, p.Lys320Glu (NM_001320641.2, NM_139347.3, NM_139348.3); c.970A>G, p.Lys324Glu (NM_001320642.1); c.1003A>G, p.Lys335Glu (NM_139346.3); c.837+1458A>G (NM_001320634.1); c.909+1458A>G (NM_139351.3, NM_139350.3, NM_139349.3); c.954+1458A>G (NM_001320632.2, NM_004305.4); short protein forms K320E, K335E, K324E, K351E.
Identifiers: ClinVar variation 3680368 (VCV003680368.2).